The following is an entry in ClinVar:

NM_001042492.3(NF1):c.6062G>A (p.Gly2021Asp)

Gene: NF1 (neurofibromin 1; plus strand). Cytogenetic location: 17q11.2.
Variant type: single nucleotide variant.
Coding change: c.6062G>A on transcript NM_001042492.3 (MANE Select); coding-DNA position 6062, G replaced by A.
Protein change: p.Gly2021Asp; replaces glycine 2021 with aspartic acid.
Molecular consequence: missense variant.
Genome position (GRCh38, 1-based): chr17:31,336,388, G>A. VCF-style: chr17-31336388-G-A. GRCh37 (hg19) VCF-style: chr17-29663406-G-A.
Other names: c.5999G>A, p.Gly2000Asp (NM_000267.4); short protein forms G2021D, G2000D.
Identifiers: ClinVar variation 457776 (VCV000457776.8), dbSNP rs1555534605, ClinGen allele CA399011164.

ClinVar aggregate classification (germline): Uncertain significance. Review status: criteria provided, multiple submitters, no conflicts (2 of 4 stars). 2 submissions from 2 submitters: Uncertain significance (2). Last evaluated 2025-07-13.

Conditions:
Cardiovascular phenotype. Identifiers: MedGen CN230736.
Hereditary cancer-predisposing syndrome. Also called: Hereditary Cancer Syndrome; Hereditary neoplastic syndrome; Tumor predisposition; Neoplastic Syndromes, Hereditary. Identifiers: Orphanet 140162, MedGen C0027672, MeSH D009386, MONDO:0015356.
Neurofibromatosis, type 1 (NF1). Also called: VON RECKLINGHAUSEN DISEASE; NEUROFIBROMATOSIS, TYPE I, SOMATIC; Peripheral type neurofibromatosis; Neurofibromatosis, type I. Identifiers: Orphanet 636, MedGen C0027831, MONDO:0018975, OMIM 162200. Disease mechanism: loss of function.

Allele frequency attached by ClinVar (database versions not stated): gnomAD exomes below 0.00001.
gnomAD v4.1: 1 of 1,614,060 alleles (0.000062%); highest among the groups gnomAD compares: Non-Finnish European, 0.000085%; no homozygotes.

Submissions (2):

Labcorp Genetics (formerly Invitae), Labcorp
Classification: Uncertain significance for Neurofibromatosis, type 1. Last evaluated: 2025-07-13. Review status: criteria provided, single submitter. Criteria: Invitae Variant Classification Sherloc (09022015). Collection method: clinical testing. Allele origin: germline.
Comment: This sequence change replaces glycine, which is neutral and non-polar, with aspartic acid, which is acidic and polar, at codon 2000 of the NF1 protein (p.Gly2000Asp). This variant is not present in population databases (gnomAD no frequency). This variant has not been reported in the literature in individuals affected with NF1-related conditions. ClinVar contains an entry for this variant (Variation ID: 457776). Invitae Evidence Modeling of protein sequence and biophysical properties (such as structural, functional, and spatial information, amino acid conservation, physicochemical variation, residue mobility, and thermodynamic stability) has been performed for this missense variant. However, the output from this modeling did not meet the statistical confidence thresholds required to predict the impact of this variant on NF1 protein function. In summary, the available evidence is currently insufficient to determine the role of this variant in disease. Therefore, it has been classified as a Variant of Uncertain Significance.

Ambry Genetics
Classification: Uncertain significance for Cardiovascular phenotype; Hereditary cancer-predisposing syndrome. Last evaluated: 2024-07-10. Review status: criteria provided, single submitter. Criteria: Ambry Variant Classification Scheme 2023. Collection method: clinical testing. Allele origin: germline.
Comment: The p.G2000D variant (also known as c.5999G>A), located in coding exon 40 of the NF1 gene, results from a G to A substitution at nucleotide position 5999. The glycine at codon 2000 is replaced by aspartic acid, an amino acid with similar properties. This amino acid position is highly conserved in available vertebrate species. In addition, this alteration is predicted to be deleterious by in silico analysis. Based on the available evidence, the clinical significance of this variant remains unclear.